The following is an entry in ClinVar:

ClinVar aggregate classification (germline): Uncertain significance (1 of 4 stars; one submission).

Submission:

Labcorp Genetics (formerly Invitae), Labcorp
Classification: Uncertain significance. Last evaluated: 2025-09-22. Review status: criteria provided, single submitter. Criteria: Invitae Variant Classification Sherloc (09022015). Collection method: clinical testing. Allele origin: germline.
Comment: This sequence change replaces threonine, which is neutral and polar, with lysine, which is basic and polar, at codon 190 of the GABRA2 protein (p.Thr190Lys). This variant is not present in population databases (gnomAD no frequency). This variant has not been reported in the literature in individuals affected with GABRA2-related conditions. ClinVar contains an entry for this variant (Variation ID: 2766465). An algorithm developed to predict the effect of missense changes on protein structure and function (PolyPhen-2) suggests that this variant is likely to be disruptive. In summary, the available evidence is currently insufficient to determine the role of this variant in disease. Therefore, it has been classified as a Variant of Uncertain Significance.

NM_000807.4(GABRA2):c.569C>A (p.Thr190Lys)

Gene: GABRA2 (gamma-aminobutyric acid type A receptor subunit alpha2; minus strand). Cytogenetic location: 4p12.
Variant type: single nucleotide variant.
Coding change: c.569C>A on transcript NM_000807.4 (MANE Select); coding-DNA position 569, C replaced by A.
Protein change: p.Thr190Lys; replaces threonine 190 with lysine.
Molecular consequence: missense variant.
Genome position (GRCh38, 1-based): chr4:46,305,702, G>T on the plus strand (C>A on the coding strand, the complement: GABRA2 is on the minus strand). VCF-style: chr4-46305702-G-T. GRCh37 (hg19) VCF-style: chr4-46307719-G-T.
Other names: c.569C>A, p.Thr190Lys (NM_001114175.3, NM_001330690.2, NM_001377144.1 and 8 more transcripts); c.404C>A, p.Thr135Lys (NM_001286827.3, NM_001377152.1, NM_001377153.1 and 1 more transcripts); short protein forms T135K, T190K.
Identifiers: ClinVar variation 2766465 (VCV002766465.3), dbSNP rs2475645750, ClinGen allele CA356798874.